The following is an entry in ClinVar:

NM_000844.4(GRM7):c.1973G>A (p.Arg658Gln)

Gene: GRM7 (glutamate metabotropic receptor 7; plus strand). Cytogenetic location: 3p26.1.
Variant type: single nucleotide variant.
Coding change: c.1973G>A on transcript NM_000844.4 (MANE Select); coding-DNA position 1973, G replaced by A.
Protein change: p.Arg658Gln; replaces arginine 658 with glutamine.
Molecular consequence: missense variant.
Genome position (GRCh38, 1-based): chr3:7,578,879, G>A. VCF-style: chr3-7578879-G-A. GRCh37 (hg19) VCF-style: chr3-7620566-G-A.
Other names: c.1973G>A, p.Arg658Gln (NM_181874.3); short protein forms R658Q.
Identifiers: ClinVar variation 972737 (VCV000972737.14), dbSNP rs769709112, ClinGen allele CA2235012.
Genomic context (GRCh38, chr3:7,578,879, plus strand): 5'-TTTGCTACATCATCACTTTCCTGATGATTGCCAAACCAGATGTGGCAGTGTGTTCTTTCC[G>A]GCGAGTTTTCTTGGGCTTGGGTATGTGCATCAGTTATGCAGCCCTCTTGACGAAAACAAA-3'
Protein context (NP_000835.1, residues 648-668): AKPDVAVCSF[Arg658Gln]RVFLGLGMCI

ClinVar aggregate classification (germline): Conflicting classifications of pathogenicity. Review status: criteria provided, conflicting classifications (1 of 4 stars). 5 submissions from 5 submitters: Likely pathogenic (1); Uncertain significance (3). 1 of the submissions does not count toward it. Last evaluated 2026-02-16.

Conditions:
Fetal anomalies with a likely genetic cause.
Neurodevelopmental disorder with seizures, hypotonia, and brain imaging abnormalities. Identifiers: MedGen C5394517, MONDO:0030063, OMIM 618922.

Allele frequency attached by ClinVar (database versions not stated): gnomAD 0.00001; TOPMed 0.00001; ExAC 0.00002; gnomAD exomes 0.00002.
gnomAD v4.1: 32 of 1,613,900 alleles (0.002%); highest among the groups gnomAD compares: East Asian, 0.016%; no homozygotes.

Submissions (5):

Genetics Laboratory, Great Ormond Street Hospital NHS Foundation Trust, North Thames Genomic Laboratory Hub
Classification: Likely pathogenic for Fetal anomalies with a likely genetic cause. Last evaluated: 2026-02-16. Review status: criteria provided, single submitter. Criteria: ACGS Best Practice Guidelines for Variant Classification in Rare Disease 2024 v1.2. Collection method: clinical testing. Allele origin: germline. Affected: yes.
Comment: PM2_moderate, PP3_supporting, PM5_moderate, PP1_supporting, PM3_supporting

Labcorp Genetics (formerly Invitae), Labcorp
Classification: Uncertain significance. Last evaluated: 2022-06-04. Review status: criteria provided, single submitter. Criteria: Invitae Variant Classification Sherloc (09022015). Collection method: clinical testing. Allele origin: germline.
Comment: Algorithms developed to predict the effect of sequence changes on RNA splicing suggest that this variant may create or strengthen a splice site. In summary, the available evidence is currently insufficient to determine the role of this variant in disease. Therefore, it has been classified as a Variant of Uncertain Significance. This variant disrupts the p.Arg658 amino acid residue in GRM7. Other variant(s) that disrupt this residue have been observed in individuals with GRM7-related conditions (PMID: 27435318), which suggests that this may be a clinically significant amino acid residue. Algorithms developed to predict the effect of missense changes on protein structure and function (SIFT, PolyPhen-2, Align-GVGD) all suggest that this variant is likely to be disruptive. ClinVar contains an entry for this variant (Variation ID: 972737). This missense change has been observed in individual(s) with GRM7-related leukodystrophy (PMID: 32286009). This variant is present in population databases (rs769709112, gnomAD 0.02%). This sequence change replaces arginine, which is basic and polar, with glutamine, which is neutral and polar, at codon 658 of the GRM7 protein (p.Arg658Gln).

New York Genome Center
Classification: Uncertain significance for Neurodevelopmental disorder with seizures, hypotonia, and brain imaging abnormalities. Last evaluated: 2021-03-05. Review status: criteria provided, single submitter. Criteria: NYGC Assertion Criteria 2020. Collection method: clinical testing. Allele origin: inherited. Observed: 1 heterozygote. Study: CSER-NYCKidSeq.

Breakthrough Genomics
Classification: Uncertain significance. Review status: criteria provided, single submitter. Criteria: ACMG Guidelines, 2015. Collection method: not provided. Allele origin: germline. Inheritance: Autosomal recessive inheritance. Affected: yes.

OMIM
Classification: Pathogenic for NEURODEVELOPMENTAL DISORDER WITH SEIZURES, HYPOTONIA, AND BRAIN IMAGING ABNORMALITIES. Last evaluated: 2023-09-11. Review status: no assertion criteria provided. Collection method: literature only. Allele origin: germline. Not counted in ClinVar's aggregate classification.

Literature cited by the submitters: PubMed 27435318 (cited by Labcorp Genetics (formerly Invitae), Labcorp); PubMed 32286009 (cited by Labcorp Genetics (formerly Invitae), Labcorp); Marafi, D., Mitani, T., Isikay, S., Hertecant, J., Almannai, M., Manickam, K., Jamra, R. A., El-Hattab, A. W., Rajah, J., Fatih, J. M., Du, H., Karaca, E., and 12 others Biallelic GRM7 variants cause epilepsy, microcephaly, and cerebral atrophy. Ann. Clin. Transl. Neurol. 7: 610-627, 2020. (cited by OMIM).